The following is an entry in ClinVar:

NM_000165.5(GJA1):c.353C>T (p.Thr118Ile)

Gene: GJA1 (gap junction protein alpha 1; plus strand). Cytogenetic location: 6q22.31.
Variant type: single nucleotide variant.
Coding change: c.353C>T on transcript NM_000165.5 (MANE Select); coding-DNA position 353, C replaced by T.
Protein change: p.Thr118Ile; replaces threonine 118 with isoleucine.
Molecular consequence: missense variant.
Genome position (GRCh38, 1-based): chr6:121,447,200, C>T. VCF-style: chr6-121447200-C-T. GRCh37 (hg19) VCF-style: chr6-121768346-C-T.
Other names: short protein forms T118I.
Identifiers: ClinVar variation 1054914 (VCV001054914.9), dbSNP rs1773903009, ClinGen allele CA365558812.

ClinVar aggregate classification (germline): Uncertain significance (1 of 4 stars; one submission).

Conditions:
Oculodentodigital dysplasia, autosomal recessive. Also called: OCULODENTOOSSEOUS DYSPLASIA, AUTOSOMAL RECESSIVE; ODDD, AUTOSOMAL RECESSIVE; ODOD, AUTOSOMAL RECESSIVE. Identifiers: Orphanet 2710, MedGen C2749477, MONDO:0009768, OMIM 257850.

Allele frequency attached by ClinVar (database versions not stated): gnomAD 0.00001.

Submission:

Labcorp Genetics (formerly Invitae), Labcorp
Classification: Uncertain significance for Oculodentodigital dysplasia, autosomal recessive. Last evaluated: 2020-07-07. Review status: criteria provided, single submitter. Criteria: Invitae Variant Classification Sherloc (09022015). Collection method: clinical testing. Allele origin: germline.
Comment: This sequence change replaces threonine with isoleucine at codon 118 of the GJA1 protein (p.Thr118Ile). The threonine residue is moderately conserved and there is a moderate physicochemical difference between threonine and isoleucine. In summary, the available evidence is currently insufficient to determine the role of this variant in disease. Therefore, it has been classified as a Variant of Uncertain Significance. Algorithms developed to predict the effect of missense changes on protein structure and function (SIFT, PolyPhen-2, Align-GVGD) all suggest that this variant is likely to be tolerated, but these predictions have not been confirmed by published functional studies and their clinical significance is uncertain. This variant has not been reported in the literature in individuals with GJA1-related conditions. This variant is not present in population databases (ExAC no frequency).